The following is an entry in ClinVar:

NM_000350.3(ABCA4):c.1748A>C (p.Lys583Thr)

Gene: ABCA4 (ATP binding cassette subfamily A member 4; minus strand). Cytogenetic location: 1p22.1.
Variant type: single nucleotide variant.
Coding change: c.1748A>C on transcript NM_000350.3 (MANE Select); coding-DNA position 1748, A replaced by C.
Protein change: p.Lys583Thr; replaces lysine 583 with threonine.
Molecular consequence: missense variant.
Genome position (GRCh38, 1-based): chr1:94,063,124, T>G on the plus strand (A>C on the coding strand, the complement: ABCA4 is on the minus strand). VCF-style: chr1-94063124-T-G. GRCh37 (hg19) VCF-style: chr1-94528680-T-G.
Other names: c.1748A>C, p.Lys583Thr (NM_001425324.1); short protein forms K583T.
Identifiers: ClinVar variation 4848160 (VCV004848160.1).

ClinVar aggregate classification (germline): Uncertain significance (1 of 4 stars; one submission).

gnomAD v4.1: 2 of 1,613,684 alleles (0.00012%); highest among the groups gnomAD compares: East Asian, 0.0022%; no homozygotes.

Submission:

Women's Health and Genetics/Laboratory Corporation of America, LabCorp
Classification: Uncertain significance. Last evaluated: 2026-02-23. Review status: criteria provided, single submitter. Criteria: LabCorp Variant Classification Summary - May 2015. Collection method: clinical testing. Allele origin: germline.
Comment: Variant summary: ABCA4 c.1748A>C (p.Lys583Thr) results in a non-conservative amino acid change in the encoded protein sequence. Algorithms developed to predict the effect of missense changes on protein structure and function all suggest that this variant is likely to be disruptive. The variant was absent in 251390 control chromosomes (gnomAD). c.1748A>C has been observed in an individual affected with Stargardt Disease (Liu_2020). These data do not allow any conclusion about variant significance. A different variant affecting the same codon has been classified as pathogenic by our lab (c.1749G>C, p.Lys583Asn), supporting the critical relevance of codon 583 to ABCA4 protein function. To our knowledge, no experimental evidence demonstrating an impact on protein function has been reported. The following publication has been ascertained in the context of this evaluation (PMID: 32845068). No submitters have cited clinical-significance assessments for this variant to ClinVar. Based on the evidence outlined above, the variant was classified as VUS-possibly pathogenic.

Literature cited by the submitters: PubMed 32845068.